The following is an entry in ClinVar:

ClinVar aggregate classification (germline): Uncertain significance. Review status: criteria provided, multiple submitters, no conflicts (2 of 4 stars). 3 submissions from 3 submitters: Uncertain significance (3). Last evaluated 2025-04-13.

Conditions:
Inborn genetic diseases. Identifiers: MedGen C0950123, MeSH D030342.

Allele frequency attached by ClinVar (database versions not stated): gnomAD 0.00001; TOPMed 0.00002; gnomAD exomes 0.00007 and 0.00012; ExAC 0.00019.
gnomAD v4.1: 114 of 1,614,010 alleles (0.0071%); highest among the groups gnomAD compares: Non-Finnish European, 0.0088%; no homozygotes.

Submissions (3):

Ambry Genetics
Classification: Uncertain significance for Inborn genetic diseases. Last evaluated: 2025-04-13. Review status: criteria provided, single submitter. Criteria: Ambry Variant Classification Scheme 2023. Collection method: clinical testing. Allele origin: germline.

Labcorp Genetics (formerly Invitae), Labcorp
Classification: Uncertain significance. Last evaluated: 2024-10-24. Review status: criteria provided, single submitter. Criteria: Invitae Variant Classification Sherloc (09022015). Collection method: clinical testing. Allele origin: germline.
Comment: This sequence change replaces lysine, which is basic and polar, with asparagine, which is neutral and polar, at codon 283 of the SLC26A3 protein (p.Lys283Asn). This variant is present in population databases (rs755764036, gnomAD 0.02%). This variant has not been reported in the literature in individuals affected with SLC26A3-related conditions. ClinVar contains an entry for this variant (Variation ID: 1418939). Invitae Evidence Modeling of protein sequence and biophysical properties (such as structural, functional, and spatial information, amino acid conservation, physicochemical variation, residue mobility, and thermodynamic stability) indicates that this missense variant is not expected to disrupt SLC26A3 protein function with a negative predictive value of 80%. In summary, the available evidence is currently insufficient to determine the role of this variant in disease. Therefore, it has been classified as a Variant of Uncertain Significance.

Blueprint Genetics
Classification: Uncertain significance. Last evaluated: 2024-08-28. Review status: criteria provided, single submitter. Criteria: ACMG Guidelines, 2015. Collection method: clinical testing. Allele origin: germline.

NM_000111.3(SLC26A3):c.849A>C (p.Lys283Asn)

Gene: SLC26A3 (solute carrier family 26 member 3; minus strand). Cytogenetic location: 7q22.3.
Variant type: single nucleotide variant.
Coding change: c.849A>C on transcript NM_000111.3 (MANE Select); coding-DNA position 849, A replaced by C.
Protein change: p.Lys283Asn; replaces lysine 283 with asparagine.
Molecular consequence: missense variant.
Genome position (GRCh38, 1-based): chr7:107,787,396, T>G on the plus strand (A>C on the coding strand, the complement: SLC26A3 is on the minus strand). VCF-style: chr7-107787396-T-G. GRCh37 (hg19) VCF-style: chr7-107427841-T-G.
Other names: c.849A>C (NM_000111.2); short protein forms K283N.
Identifiers: ClinVar variation 1418939 (VCV001418939.8), dbSNP rs755764036, ClinGen allele CA4434018.